The following is an entry in ClinVar:

ClinVar aggregate classification (germline): Uncertain significance (1 of 4 stars; one submission).

Conditions:
Hereditary cancer-predisposing syndrome. Also called: Tumor predisposition; Hereditary Cancer Syndrome; Hereditary neoplastic syndrome; Neoplastic Syndromes, Hereditary. Identifiers: Orphanet 140162, MedGen C0027672, MeSH D009386, MONDO:0015356.

Submission:

Ambry Genetics
Classification: Uncertain significance for Hereditary cancer-predisposing syndrome. Last evaluated: 2024-05-21. Review status: criteria provided, single submitter. Criteria: Ambry Variant Classification Scheme 2023. Collection method: clinical testing. Allele origin: germline.
Comment: The c.2102+1G>C intronic variant results from a G to C substitution one nucleotide after coding exon 7 of the MET gene. This nucleotide position is highly conserved in available vertebrate species. In silico splice site analysis predicts that this alteration will weaken the native splice donor site and may result in the creation or strengthening of a novel splice donor site. Alterations that disrupt the canonical splice site are expected to cause aberrant splicing, resulting in an abnormal protein or a transcript that is subject to nonsense-mediated mRNA decay. However, loss of function of MET has not been established as a mechanism of disease. Based on the available evidence, the clinical significance of this alteration remains unclear.

NM_000245.4(MET):c.2102+1G>C

Gene: MET (MET proto-oncogene, receptor tyrosine kinase; plus strand). Cytogenetic location: 7q31.2.
Variant type: single nucleotide variant.
Coding change: c.2102+1G>C on transcript NM_000245.4 (MANE Select); the canonical splice donor site of the intron after coding-DNA position 2102, G replaced by C.
Molecular consequence: splice donor variant.
Genome position (GRCh38, 1-based): chr7:116,757,775, G>C. VCF-style: chr7-116757775-G-C. GRCh37 (hg19) VCF-style: chr7-116397829-G-C.
Other names: c.2102+1G>C (NM_001127500.3, NM_001324401.3); c.812+1G>C (NM_001324402.2).
Identifiers: ClinVar variation 3294351 (VCV003294351.1).